The following is an entry in ClinVar:

NM_001123385.2(BCOR):c.5001G>A (p.Ser1667=)

Gene: BCOR (BCL6 corepressor; minus strand). Cytogenetic location: Xp11.4.
Variant type: single nucleotide variant.
Coding change: c.5001G>A on transcript NM_001123385.2 (MANE Select); coding-DNA position 5001, G replaced by A.
Protein change: p.Ser1667=; no amino-acid change (serine 1667 retained).
Molecular consequence: synonymous variant.
Genome position (GRCh38, 1-based): chrX:40,052,376, C>T on the plus strand (G>A on the coding strand, the complement: BCOR is on the minus strand). VCF-style: chrX-40052376-C-T. GRCh37 (hg19) VCF-style: chrX-39911629-C-T.
Other names: c.4899G>A, p.Ser1633= (NM_001123383.2, NM_017745.6); c.4845G>A, p.Ser1615= (NM_001123384.2).
Identifiers: ClinVar variation 698115 (VCV000698115.11), dbSNP rs375878497, ClinGen allele CA10386323.

ClinVar aggregate classification (germline): Benign/Likely benign. Review status: criteria provided, multiple submitters, no conflicts (2 of 4 stars). 3 submissions from 3 submitters: Benign (1); Likely benign (1). 1 of the submissions does not count toward it. Last evaluated 2025-11-18.

Conditions:
Oculofaciocardiodental syndrome (MCOPS2). Identifiers: Orphanet 2712, MedGen C1846265, MONDO:0010261, OMIM 300166.
Inborn genetic diseases. Identifiers: MedGen C0950123, MeSH D030342.
BCOR-related disorder. Also called: BCOR-related disorders; BCOR-related condition.

Allele frequency attached by ClinVar (database versions not stated): TOPMed 0.00009; ExAC 0.00010; gnomAD exomes 0.00012; ESP Exome Variant Server 0.00019.
gnomAD v4.1: 197 of 1,208,318 alleles (0.016%); highest among the groups gnomAD compares: Non-Finnish European, 0.02%; no homozygotes.

Submissions (3):

Labcorp Genetics (formerly Invitae), Labcorp
Classification: Benign for Oculofaciocardiodental syndrome. Last evaluated: 2025-11-18. Review status: criteria provided, single submitter. Criteria: Invitae Variant Classification Sherloc (09022015). Collection method: clinical testing. Allele origin: germline.

Ambry Genetics
Classification: Likely benign for Inborn genetic diseases. Last evaluated: 2024-11-14. Review status: criteria provided, single submitter. Criteria: Ambry Variant Classification Scheme 2023. Collection method: clinical testing. Allele origin: germline.

PreventionGenetics, part of Exact Sciences
Classification: Likely benign for BCOR-related condition. Last evaluated: 2023-06-27. Review status: no assertion criteria provided. Collection method: clinical testing. Allele origin: germline. Not counted in ClinVar's aggregate classification.
Comment: This variant is classified as likely benign based on ACMG/AMP sequence variant interpretation guidelines (Richards et al. 2015 PMID: 25741868, with internal and published modifications).